The following is an entry in ClinVar:

ClinVar aggregate classification (germline): Uncertain significance. Review status: criteria provided, multiple submitters, no conflicts (2 of 4 stars). 3 submissions from 3 submitters: Uncertain significance (3). Last evaluated 2024-06-24.

Conditions:
Tuberous sclerosis syndrome (TSC). Also called: Tuberous Sclerosis Complex; Tuberous sclerosis. Identifiers: Orphanet 805, MedGen C0041341, MONDO:0001734.
Tuberous sclerosis 2 (TSC2). Identifiers: Orphanet 805, MedGen C1860707, MONDO:0013199, OMIM 613254.
Hereditary cancer-predisposing syndrome. Also called: Tumor predisposition; Hereditary neoplastic syndrome; Neoplastic Syndromes, Hereditary; Hereditary Cancer Syndrome. Identifiers: Orphanet 140162, MedGen C0027672, MeSH D009386, MONDO:0015356.

gnomAD v4.1: 1 of 1,612,870 alleles (0.000062%); highest among the groups gnomAD compares: Non-Finnish European, 0.000085%; no homozygotes.

Submissions (3):

Ambry Genetics
Classification: Uncertain significance for Hereditary cancer-predisposing syndrome. Last evaluated: 2024-06-24. Review status: criteria provided, single submitter. Criteria: Ambry Variant Classification Scheme 2023. Collection method: clinical testing. Allele origin: germline.
Comment: The p.N1037T variant (also known as c.3110A>C), located in coding exon 26 of the TSC2 gene, results from an A to C substitution at nucleotide position 3110. The asparagine at codon 1037 is replaced by threonine, an amino acid with similar properties. This amino acid position is conserved. In addition, the in silico prediction for this alteration is inconclusive. Based on the available evidence, the clinical significance of this variant remains unclear.

All of Us Research Program, National Institutes of Health
Classification: Uncertain significance for Tuberous sclerosis syndrome. Last evaluated: 2023-11-20. Review status: criteria provided, single submitter. Criteria: ACMG Guidelines, 2015. Collection method: clinical testing. Allele origin: germline. Inheritance: Autosomal dominant inheritance. Observed: 1 variant allele, 1 heterozygote.
Comment: This missense variant replaces asparagine with threonine at codon 1037 of the TSC2 protein. Computational prediction is inconclusive regarding the impact of this variant on protein structure and function (internally defined REVEL score threshold 0.5 < inconclusive < 0.7, PMID: 27666373). To our knowledge, functional studies have not been reported for this variant. This variant has not been reported in individuals affected with TSC2-related disorders in the literature. This variant has not been identified in the general population by the Genome Aggregation Database (gnomAD). The available evidence is insufficient to determine the role of this variant in disease conclusively. Therefore, this variant is classified as a Variant of Uncertain Significance.

This study involves interpretation of variants in research participants for the purpose of population health screening. Participant phenotype was not available at the time of variant classification. Additional details can be found in publication PMID: 35346344, PMCID: PMC8962531

Labcorp Genetics (formerly Invitae), Labcorp
Classification: Uncertain significance for Tuberous sclerosis 2. Last evaluated: 2019-06-29. Review status: criteria provided, single submitter. Criteria: Invitae Variant Classification Sherloc (09022015). Collection method: clinical testing. Allele origin: germline.
Comment: This sequence change replaces asparagine with threonine at codon 1037 of the TSC2 protein (p.Asn1037Thr). The asparagine residue is highly conserved and there is a small physicochemical difference between asparagine and threonine. This variant is not present in population databases (ExAC no frequency). This variant has not been reported in the literature in individuals with TSC2-related conditions. Algorithms developed to predict the effect of missense changes on protein structure and function are either unavailable or do not agree on the potential impact of this missense change (SIFT: "Tolerated"; PolyPhen-2: "Possibly Damaging"; Align-GVGD: "Class C0"). In summary, the available evidence is currently insufficient to determine the role of this variant in disease. Therefore, it has been classified as a Variant of Uncertain Significance.

NM_000548.5(TSC2):c.3110A>C (p.Asn1037Thr)

Gene: TSC2 (TSC complex subunit 2; plus strand). Cytogenetic location: 16p13.3.
Variant type: single nucleotide variant.
Coding change: c.3110A>C on transcript NM_000548.5 (MANE Select); coding-DNA position 3110, A replaced by C.
Protein change: p.Asn1037Thr; replaces asparagine 1037 with threonine.
Molecular consequence: missense variant.
Genome position (GRCh38, 1-based): chr16:2,079,175, A>C. VCF-style: chr16-2079175-A-C. GRCh37 (hg19) VCF-style: chr16-2129176-A-C.
Other names: c.2978A>C, p.Asn993Thr (NM_001077183.3, NM_001370404.1); c.3110A>C, p.Asn1037Thr (NM_001114382.3); c.2870A>C, p.Asn957Thr (NM_001318827.2); c.2834A>C, p.Asn945Thr (NM_001318829.2); c.2378A>C, p.Asn793Thr (NM_001318831.2); c.3011A>C, p.Asn1004Thr (NM_001318832.2); c.2981A>C, p.Asn994Thr (NM_001363528.2, NM_001370405.1, NM_021055.3); short protein forms N793T, N945T, N994T, N1004T, N1037T, N957T, N993T.
Identifiers: ClinVar variation 933296 (VCV000933296.11), dbSNP rs2089806008, ClinGen allele CA394284838.